The following is an entry in ClinVar:

ClinVar aggregate classification (germline): Uncertain significance (1 of 4 stars; one submission).

Conditions:
Joubert syndrome 21 (JBTS21). Identifiers: MedGen C3810212, MONDO:0014288, OMIM 615636.

Allele frequency attached by ClinVar (database versions not stated): TOPMed below 0.00001.

Submission:

Labcorp Genetics (formerly Invitae), Labcorp
Classification: Uncertain significance for Joubert syndrome 21. Last evaluated: 2021-08-14. Review status: criteria provided, single submitter. Criteria: Invitae Variant Classification Sherloc (09022015). Collection method: clinical testing. Allele origin: germline.
Comment: This sequence change replaces phenylalanine with leucine at codon 299 of the CSPP1 protein (p.Phe299Leu). The phenylalanine residue is moderately conserved and there is a small physicochemical difference between phenylalanine and leucine. This variant is not present in population databases (ExAC no frequency). This variant has not been reported in the literature in individuals affected with CSPP1-related conditions. Algorithms developed to predict the effect of missense changes on protein structure and function are either unavailable or do not agree on the potential impact of this missense change (SIFT: "Tolerated"; PolyPhen-2: "Possibly Damaging"; Align-GVGD: "Class C0"). In summary, the available evidence is currently insufficient to determine the role of this variant in disease. Therefore, it has been classified as a Variant of Uncertain Significance.

NM_001382391.1(CSPP1):c.870T>G (p.Phe290Leu)

Gene: CSPP1 (centrosome and spindle pole associated protein 1; plus strand). Cytogenetic location: 8q13.1.
Variant type: single nucleotide variant.
Coding change: c.870T>G on transcript NM_001382391.1 (MANE Select); coding-DNA position 870, T replaced by G.
Protein change: p.Phe290Leu; replaces phenylalanine 290 with leucine.
Molecular consequence: missense variant.
Genome position (GRCh38, 1-based): chr8:67,095,679, T>G. VCF-style: chr8-67095679-T-G. GRCh37 (hg19) VCF-style: chr8-68007914-T-G.
Other names: c.15T>G, p.Phe5Leu (NM_001291339.2); c.789T>G, p.Phe263Leu (NM_001363131.2, NM_001363133.2); c.870T>G, p.Phe290Leu (NM_001363132.2); c.978T>G, p.Phe326Leu (NM_001364869.1); c.897T>G, p.Phe299Leu (NM_001364870.1, NM_024790.7); short protein forms F5L, F263L, F290L, F299L, F326L.
Identifiers: ClinVar variation 1467139 (VCV001467139.5), dbSNP rs1812598635, ClinGen allele CA371191593.
Genomic context (GRCh38, chr8:67,095,679, plus strand): 5'-TAGACGGTATCATAGACCAGACCAAGATCCTGAAGTAAGTGAAGAAATGGATGAGAGGTT[T>G]AGATATGAAAGTGATTTTGATAGAAGACTTTCGAGAGTGTATACAAATGACAGGTATTTA-3'
Protein context (NP_001369320.1, residues 280-300): PEVSEEMDER[Phe290Leu]RYESDFDRRL